The following is an entry in ClinVar:

NM_006031.6(PCNT):c.4890G>A (p.Ser1630=)

Gene: PCNT (pericentrin; plus strand). Cytogenetic location: 21q22.3.
Variant type: single nucleotide variant.
Coding change: c.4890G>A on transcript NM_006031.6 (MANE Select); coding-DNA position 4890, G replaced by A.
Protein change: p.Ser1630=; no amino-acid change (serine 1630 retained).
Molecular consequence: synonymous variant.
Genome position (GRCh38, 1-based): chr21:46,401,649, G>A. VCF-style: chr21-46401649-G-A. GRCh37 (hg19) VCF-style: chr21-47821563-G-A.
Other names: c.4890G>A (NM_006031.5); c.4536G>A, p.Ser1512= (NM_001315529.2).
Identifiers: ClinVar variation 2984319 (VCV002984319.4), dbSNP rs979435741, ClinGen allele CA322037669.

ClinVar aggregate classification (germline): Likely benign. Review status: criteria provided, single submitter (1 of 4 stars). 2 submissions from 2 submitters: Likely benign (1). 1 of the submissions does not count toward it. Last evaluated 2023-12-12.

Conditions:
PCNT-related disorder. Also called: PCNT-related condition.

Allele frequency attached by ClinVar (database versions not stated): gnomAD 0.00001; gnomAD exomes 0.00001; TOPMed 0.00003.
gnomAD v4.1: 10 of 1,613,772 alleles (0.00062%); highest among the groups gnomAD compares: African/African-American, 0.0027%; no homozygotes.

Submissions (2):

Labcorp Genetics (formerly Invitae), Labcorp
Classification: Likely benign. Last evaluated: 2023-12-12. Review status: criteria provided, single submitter. Criteria: Invitae Variant Classification Sherloc (09022015). Collection method: clinical testing. Allele origin: germline.

PreventionGenetics, part of Exact Sciences
Classification: Likely benign for PCNT-related condition. Last evaluated: 2023-06-23. Review status: no assertion criteria provided. Collection method: clinical testing. Allele origin: germline. Not counted in ClinVar's aggregate classification.
Comment: This variant is classified as likely benign based on ACMG/AMP sequence variant interpretation guidelines (Richards et al. 2015 PMID: 25741868, with internal and published modifications).